The following is an entry in ClinVar:

ClinVar aggregate classification (germline): Conflicting classifications of pathogenicity. Review status: criteria provided, conflicting classifications (1 of 4 stars). 3 submissions from 3 submitters: Uncertain significance (2); Likely benign (1). Last evaluated 2026-05-15.

Conditions:
Cardiovascular phenotype. Identifiers: MedGen CN230736.
Long QT syndrome 13 (LQT13). Identifiers: Orphanet 101016, Orphanet 768, MedGen C3150733, MONDO:0013279, OMIM 613485.
Familial hyperaldosteronism type III. Also called: Familial hyperaldosteronism type 3; FH III. Identifiers: Orphanet 251274, MedGen C3838758, MONDO:0013359, OMIM 613677.
Long QT syndrome (LQTS). Identifiers: MedGen C0023976, MeSH D008133, MONDO:0002442. Disease mechanism: loss of function. Inheritance: Various modes of inheritance.

Allele frequency attached by ClinVar (database versions not stated): ExAC 0.00001; gnomAD exomes 0.00001 and 0.00002; gnomAD 0.00001; TOPMed below 0.00001.
gnomAD v4.1: 6 of 1,612,998 alleles (0.00037%); highest among the groups gnomAD compares: Admixed American, 0.0084%; no homozygotes.

Submissions (3):

Ambry Genetics
Classification: Likely benign for Cardiovascular phenotype. Last evaluated: 2026-05-15. Review status: criteria provided, single submitter. Criteria: Ambry Variant Classification Scheme 2023. Collection method: clinical testing. Allele origin: germline.

Fulgent Genetics
Classification: Uncertain significance for Long QT syndrome 13; Familial hyperaldosteronism type III. Last evaluated: 2024-05-14. Review status: criteria provided, single submitter. Criteria: ACMG Guidelines, 2015. Collection method: clinical testing. Allele origin: germline.

Labcorp Genetics (formerly Invitae), Labcorp
Classification: Uncertain significance for Long QT syndrome. Last evaluated: 2016-08-25. Review status: criteria provided, single submitter. Criteria: Invitae Variant Classification Sherloc (09022015). Collection method: clinical testing. Allele origin: germline.
Comment: In summary, this variant is a rare missense change that is not predicted to affect protein function. There is no indication that it causes disease, but the available evidence is currently insufficient to prove that conclusively. Therefore, it has been classified as a Variant of Uncertain Significance. Algorithms developed to predict the effect of missense changes on protein structure and function (SIFT, PolyPhen-2, Align-GVGD) all suggest that this variant is likely to be tolerated, but these predictions have not been confirmed by published functional studies. This variant is present in population databases (rs766058202, ExAC 0.009%) but has not been reported in the literature in individuals with a KCNJ5-related disease. This sequence change replaces aspartic acid with alanine at codon 395 of the KCNJ5 protein (p.Asp395Ala). The aspartic acid residue is weakly conserved and there is a moderate physicochemical difference between aspartic acid and alanine.

NM_000890.5(KCNJ5):c.1184A>C (p.Asp395Ala)

Gene: KCNJ5 (potassium inwardly rectifying channel subfamily J member 5; plus strand). Cytogenetic location: 11q24.3.
Variant type: single nucleotide variant.
Coding change: c.1184A>C on transcript NM_000890.5 (MANE Select); coding-DNA position 1184, A replaced by C.
Protein change: p.Asp395Ala; replaces aspartic acid 395 with alanine.
Molecular consequence: missense variant.
Genome position (GRCh38, 1-based): chr11:128,916,655, A>C. VCF-style: chr11-128916655-A-C. GRCh37 (hg19) VCF-style: chr11-128786550-A-C.
Other names: c.1184A>C (LRG_333t1); c.1184A>C, p.Asp395Ala (NM_001354169.2); short protein forms D395A.
Identifiers: ClinVar variation 404093 (VCV000404093.12), dbSNP rs766058202, ClinGen allele CA6358016.